The following is an entry in ClinVar:

ClinVar aggregate classification (germline): Pathogenic (1 of 4 stars; one submission).

Conditions:
Familial adenomatous polyposis 1 (FAP1). Also called: FAMILIAL ADENOMATOUS POLYPOSIS 1, ATTENUATED; POLYPOSIS, ADENOMATOUS INTESTINAL. Identifiers: MedGen C2713442, MONDO:0021056, OMIM 175100. Disease mechanism: loss of function.

Submission:

Myriad Genetics, Inc.
Classification: Pathogenic for Familial adenomatous polyposis 1. Last evaluated: 2023-05-09. Review status: criteria provided, single submitter. Criteria: Myriad Autosomal Dominant, Autosomal Recessive and X-Linked Classification Criteria (2023). Collection method: clinical testing. Allele origin: unknown.
Comment: This variant is considered pathogenic. This variant creates a frameshift predicted to result in premature protein truncation.

NM_000038.6(APC):c.3792_3810del (p.Glu1265fs)

Gene: APC (APC regulator of Wnt signaling pathway; plus strand). Cytogenetic location: 5q22.2.
Variant type: Deletion.
Coding change: c.3792_3810del on transcript NM_000038.6 (MANE Select); coding-DNA positions 3792 to 3810, 19 bases deleted (AGAAGATACTCCAATATGT).
Protein change: p.Glu1265fs; shifts the reading frame from glutamic acid 1265.
Molecular consequence: frameshift variant. On other transcripts: non-coding transcript variant (2).
Genome position (GRCh38, 1-based): chr5:112,839,386-112,839,404, AGAAGATACTCCAATATGT deleted; deleting any 19 consecutive bases within chr5:112,839,383-112,839,404 gives the same sequence; the c. name uses the placement nearest the transcript's 3' end. VCF-style (leftmost placement, unchanged base first): chr5-112839382-GTGTAGAAGATACTCCAATA-G. GRCh37 (hg19) VCF-style: chr5-112175079-GTGTAGAAGATACTCCAATA-G.
Other names: c.3708_3726del, p.Glu1237fs (NM_001354899.2); c.3669_3687del, p.Glu1224fs (NM_001354900.2); c.3615_3633del, p.Glu1206fs (NM_001354901.2, NM_001407453.1); c.3519_3537del, p.Glu1174fs (NM_001354902.2); c.3489_3507del, p.Glu1164fs (NM_001354903.2, NM_001407458.1, NM_001407459.1 and 1 more transcripts); c.3414_3432del, p.Glu1139fs (NM_001354904.2); c.3312_3330del, p.Glu1105fs (NM_001354905.2); c.2943_2961del, p.Glu982fs (NM_001354906.2, NM_001407470.1); and 11 more; short protein forms E1105fs, E1136fs, E1139fs, E1164fs, E1174fs, E1182fs, E1206fs, E1224fs.
Identifiers: ClinVar variation 2583940 (VCV002583940.1), dbSNP rs2533524631, ClinGen allele CA2582341535.